The following is an entry in ClinVar:

ClinVar aggregate classification (germline): Benign (1 of 4 stars; one submission).

Allele frequency attached by ClinVar (database versions not stated): 1000 Genomes Project 0.00359; 1000 Genomes Project 30x 0.00375; TOPMed 0.00813; gnomAD 0.00849; ESP Exome Variant Server 0.00968; gnomAD exomes 0.01122; ExAC 0.01268.
gnomAD v4.1: 17,615 of 1,611,580 alleles (1.1%); highest among the groups gnomAD compares: Non-Finnish European, 1.3%; 119 homozygotes.

Submission:

CeGaT Center for Human Genetics Tuebingen
Classification: Benign. Last evaluated: 2024-12-01. Review status: criteria provided, single submitter. Criteria: CeGaT Center For Human Genetics Tuebingen Variant Classification Criteria Version 2. Collection method: clinical testing. Allele origin: germline. Affected: yes. Observed: 5 variant alleles.
Comment: ADAMTSL1: BS1, BS2

NM_001040272.6(ADAMTSL1):c.4998C>T (p.Cys1666=)

Gene: ADAMTSL1 (ADAMTS like 1; plus strand). Cytogenetic location: 9p22.1.
Variant type: single nucleotide variant.
Coding change: c.4998C>T on transcript NM_001040272.6 (MANE Select); coding-DNA position 4998, C replaced by T.
Protein change: p.Cys1666=; no amino-acid change (cysteine 1666 retained).
Molecular consequence: synonymous variant.
Genome position (GRCh38, 1-based): chr9:18,906,728, C>T. VCF-style: chr9-18906728-C-T. GRCh37 (hg19) VCF-style: chr9-18906726-C-T.
Identifiers: ClinVar variation 3024721 (VCV003024721.22), dbSNP rs41268985, ClinGen allele CA5000298.